The following is an entry in ClinVar:

ClinVar aggregate classification (germline): Uncertain significance. Review status: criteria provided, multiple submitters, no conflicts (2 of 4 stars). 2 submissions from 2 submitters: Uncertain significance (2). Last evaluated 2022-07-21.

Conditions:
Inborn genetic diseases. Identifiers: MedGen C0950123, MeSH D030342.

Allele frequency attached by ClinVar (database versions not stated): gnomAD exomes below 0.00001 and 0.00002; ExAC 0.00001; gnomAD 0.00003; TOPMed 0.00005; ESP Exome Variant Server 0.00017.

Submissions (2):

Labcorp Genetics (formerly Invitae), Labcorp
Classification: Uncertain significance. Last evaluated: 2022-07-21. Review status: criteria provided, single submitter. Criteria: Invitae Variant Classification Sherloc (09022015). Collection method: clinical testing. Allele origin: germline.
Comment: This sequence change replaces glutamic acid, which is acidic and polar, with glycine, which is neutral and non-polar, at codon 864 of the PCARE protein (p.Glu864Gly). This variant is present in population databases (rs376899263, gnomAD 0.02%). This variant has not been reported in the literature in individuals affected with PCARE-related conditions. ClinVar contains an entry for this variant (Variation ID: 1026434). Algorithms developed to predict the effect of missense changes on protein structure and function (SIFT, PolyPhen-2, Align-GVGD) all suggest that this variant is likely to be tolerated. In summary, the available evidence is currently insufficient to determine the role of this variant in disease. Therefore, it has been classified as a Variant of Uncertain Significance.

Ambry Genetics
Classification: Uncertain significance for Inborn genetic diseases. Last evaluated: 2021-11-09. Review status: criteria provided, single submitter. Criteria: Ambry Variant Classification Scheme 2023. Collection method: clinical testing. Allele origin: germline.

NM_001029883.3(PCARE):c.2591A>G (p.Glu864Gly)

Gene: PCARE (photoreceptor cilium actin regulator; minus strand). Cytogenetic location: 2p23.2.
Variant type: single nucleotide variant.
Coding change: c.2591A>G on transcript NM_001029883.3 (MANE Select); coding-DNA position 2591, A replaced by G.
Protein change: p.Glu864Gly; replaces glutamic acid 864 with glycine.
Molecular consequence: missense variant.
Genome position (GRCh38, 1-based): chr2:29,071,671, T>C on the plus strand (A>G on the coding strand, the complement: PCARE is on the minus strand). VCF-style: chr2-29071671-T-C. GRCh37 (hg19) VCF-style: chr2-29294537-T-C.
Other names: c.2591A>G (NM_001029883.1); short protein forms E864G.
Identifiers: ClinVar variation 1026434 (VCV001026434.6), dbSNP rs376899263, ClinGen allele CA1592165.